The following is an entry in ClinVar:

ClinVar aggregate classification (germline): Uncertain significance (1 of 4 stars; one submission).

Allele frequency attached by ClinVar (database versions not stated): gnomAD exomes below 0.00001.
gnomAD v4.1: 1 of 1,611,964 alleles (0.000062%); highest among the groups gnomAD compares: Admixed American, 0.0017%; no homozygotes.

Submission:

Labcorp Genetics (formerly Invitae), Labcorp
Classification: Uncertain significance. Last evaluated: 2022-04-16. Review status: criteria provided, single submitter. Criteria: Invitae Variant Classification Sherloc (09022015). Collection method: clinical testing. Allele origin: germline.
Comment: This sequence change replaces threonine, which is neutral and polar, with alanine, which is neutral and non-polar, at codon 73 of the STX3 protein (p.Thr73Ala). This variant is not present in population databases (gnomAD no frequency). This variant has not been reported in the literature in individuals affected with STX3-related conditions. Algorithms developed to predict the effect of missense changes on protein structure and function (SIFT, PolyPhen-2, Align-GVGD) all suggest that this variant is likely to be tolerated. Algorithms developed to predict the effect of sequence changes on RNA splicing suggest that this variant may create or strengthen a splice site. In summary, the available evidence is currently insufficient to determine the role of this variant in disease. Therefore, it has been classified as a Variant of Uncertain Significance.

NM_004177.5(STX3):c.217A>G (p.Thr73Ala)

Gene: STX3 (syntaxin 3; plus strand). Cytogenetic location: 11q12.1.
Variant type: single nucleotide variant.
Coding change: c.217A>G on transcript NM_004177.5 (MANE Select); coding-DNA position 217, A replaced by G.
Protein change: p.Thr73Ala; replaces threonine 73 with alanine.
Molecular consequence: missense variant.
Genome position (GRCh38, 1-based): chr11:59,788,875, A>G. VCF-style: chr11-59788875-A-G. GRCh37 (hg19) VCF-style: chr11-59556348-A-G.
Other names: c.217A>G, p.Thr73Ala (NM_001178040.3); short protein forms T73A.
Identifiers: ClinVar variation 1899728 (VCV001899728.3), dbSNP rs2495528349, ClinGen allele CA380796389.